The following is an entry in ClinVar:

ClinVar aggregate classification (germline): Uncertain significance (1 of 4 stars; one submission).

Submission:

Labcorp Genetics (formerly Invitae), Labcorp
Classification: Uncertain significance. Last evaluated: 2022-03-29. Review status: criteria provided, single submitter. Criteria: Invitae Variant Classification Sherloc (09022015). Collection method: clinical testing. Allele origin: germline.
Comment: This sequence change falls in intron 3 of the FAM161A gene. It does not directly change the encoded amino acid sequence of the FAM161A protein. This variant is not present in population databases (gnomAD no frequency). This variant has not been reported in the literature in individuals affected with FAM161A-related conditions. Algorithms developed to predict the effect of sequence changes on RNA splicing suggest that this variant may disrupt the consensus splice site. In summary, the available evidence is currently insufficient to determine the role of this variant in disease. Therefore, it has been classified as a Variant of Uncertain Significance.

NM_001201543.2(FAM161A):c.1584-6C>A

Gene: FAM161A (FAM161 centrosomal protein A; minus strand). Cytogenetic location: 2p15.
Variant type: single nucleotide variant.
Coding change: c.1584-6C>A on transcript NM_001201543.2 (MANE Select); 6 bases into the intron before coding-DNA position 1584, C replaced by A.
Molecular consequence: intron variant.
Genome position (GRCh38, 1-based): chr2:61,838,711, G>T on the plus strand (C>A on the coding strand, the complement: FAM161A is on the minus strand). VCF-style: chr2-61838711-G-T. GRCh37 (hg19) VCF-style: chr2-62065846-G-T.
Other names: c.1583+710C>A (NM_032180.3).
Identifiers: ClinVar variation 1933241 (VCV001933241.2), dbSNP rs1165944033, ClinGen allele CA533181627.